The following is an entry in ClinVar:

NM_002693.3(POLG):c.3076C>T (p.Arg1026Cys)

Gene: POLG (DNA polymerase gamma, catalytic subunit; minus strand). Cytogenetic location: 15q26.1.
Variant type: single nucleotide variant.
Coding change: c.3076C>T on transcript NM_002693.3 (MANE Select); coding-DNA position 3076, C replaced by T.
Protein change: p.Arg1026Cys; replaces arginine 1026 with cysteine.
Molecular consequence: missense variant.
Genome position (GRCh38, 1-based): chr15:89,319,256, G>A on the plus strand (C>T on the coding strand, the complement: POLG is on the minus strand). VCF-style: chr15-89319256-G-A. GRCh37 (hg19) VCF-style: chr15-89862487-G-A.
Other names: p.R1026C:CGC>TGC; c.3076C>T, p.Arg1026Cys (NM_001126131.2); short protein forms R1026C.
Identifiers: ClinVar variation 206546 (VCV000206546.11), dbSNP rs760043525, ClinGen allele CA316736.
Genomic context (GRCh38, chr15:89,319,256, plus strand): 5'-CCCTCCATCCTTAACACAAAGAAGGTTCTTACTTCCTTGCAGTTTCTCTCTGGACCTTGC[G>A]CAGATCCTGCAGGGAAATCCAGCCACCCTCAGTCCTGTCCACTGGGAGGTTCAACTCCCT-3'
Protein context (NP_002684.1, residues 1016-1036): EGGWISLQDL[Arg1026Cys]KVQRETARKS

ClinVar aggregate classification (germline): Uncertain significance. Review status: criteria provided, multiple submitters, no conflicts (2 of 4 stars). 5 submissions from 5 submitters: Uncertain significance (5). Last evaluated 2025-08-06.

Conditions:
POLG-related disorder. Also called: POLG-related condition; POLG-Related Disorders; POLG-Related Spectrum Disorders. Identifiers: MedGen C4763519.
Progressive external ophthalmoplegia with mitochondrial DNA deletions, autosomal dominant 1 (PEOA1). Also called: PROGRESSIVE EXTERNAL OPHTHALMOPLEGIA, AUTOSOMAL DOMINANT 1; Autosomal Dominant Progressive External Ophthalmoplegia (adPEO). Identifiers: MedGen C1834846, MONDO:0024528, OMIM 157640.
Progressive external ophthalmoplegia with mitochondrial DNA deletions, autosomal recessive 1 (PEOB1). Also called: Autosomal Recessive Progressive External Ophthalmoplegia (arPEO); Progressive external ophthalmoplegia, autosomal recessive 1. Identifiers: Orphanet 254886, MedGen C4225153, MONDO:0009783, OMIM 258450.
Progressive sclerosing poliodystrophy (MTDPS4A). Also called: ALPERS DIFFUSE DEGENERATION OF CEREBRAL GRAY MATTER WITH HEPATIC CIRRHOSIS; Alpers-Huttenlocher Syndrome; ALPERS PROGRESSIVE INFANTILE POLIODYSTROPHY; NEURONAL DEGENERATION OF CHILDHOOD WITH LIVER DISEASE, PROGRESSIVE; Mitochondrial DNA Depletion Syndrome 4A; Alpers-Huttenlocher Syndrome (AHS). Identifiers: Orphanet 726, MedGen C0205710, MONDO:0008758, OMIM 203700.
Mitochondrial DNA depletion syndrome 1. Also called: Mitochondrial Neurogastrointestinal Encephalopathy Disease; MITOCHONDRIAL NEUROGASTROINTESTINAL ENCEPHALOPATHY SYNDROME, TYMP-RELATED; MNGIE, TYMP-RELATED; POLIP SYNDROME; POLYNEUROPATHY, OPHTHALMOPLEGIA, LEUKOENCEPHALOPATHY, AND INTESTINAL PSEUDOOBSTRUCTION; Mitochondrial DNA Depletion Syndrome, MNGIE Form. Identifiers: Orphanet 298, MedGen C4551995, MONDO:0011283, OMIM 603041.
Sensory ataxic neuropathy, dysarthria, and ophthalmoparesis (SANDO). Also called: SENSORY ATAXIC NEUROPATHY WITH MITOCHONDRIAL DNA DELETIONS, AUTOSOMAL RECESSIVE; Epilepsy, progressive myoclonic, type 5; Sensory ataxic neuropathy-dysarthria-ophthalmoparesis syndrome; Ataxia Neuropathy Spectrum (ANS). Identifiers: Orphanet 70595, MedGen C1843851, MONDO:0011835, OMIM 607459.
Mitochondrial DNA depletion syndrome 4b. Also called: MNGIE, POLG-RELATED; Mitochondrial Neurogastrointestinal Encephalopathy Disease, POLG-Related. Identifiers: Orphanet 298, MedGen C3150914, MONDO:0013350, OMIM 613662.

Allele frequency attached by ClinVar (database versions not stated): ExAC 0.00001; TOPMed 0.00001; gnomAD exomes 0.00002.

Submissions (5):

Labcorp Genetics (formerly Invitae), Labcorp
Classification: Uncertain significance for Progressive sclerosing poliodystrophy. Last evaluated: 2025-08-06. Review status: criteria provided, single submitter. Criteria: Invitae Variant Classification Sherloc (09022015). Collection method: clinical testing. Allele origin: germline.
Comment: This sequence change replaces arginine, which is basic and polar, with cysteine, which is neutral and slightly polar, at codon 1026 of the POLG protein (p.Arg1026Cys). This variant is present in population databases (rs760043525, gnomAD 0.006%). This variant has not been reported in the literature in individuals affected with POLG-related conditions. ClinVar contains an entry for this variant (Variation ID: 206546). Invitae Evidence Modeling of protein sequence and biophysical properties (such as structural, functional, and spatial information, amino acid conservation, physicochemical variation, residue mobility, and thermodynamic stability) indicates that this missense variant is expected to disrupt POLG protein function with a positive predictive value of 95%. In summary, the available evidence is currently insufficient to determine the role of this variant in disease. Therefore, it has been classified as a Variant of Uncertain Significance.

Genomic Research Center, Shahid Beheshti University of Medical Sciences
Classification: Uncertain significance for POLG-Related Disorders. Last evaluated: 2019-04-27. Review status: criteria provided, single submitter. Criteria: ACMG Guidelines, 2015. Collection method: clinical testing. Allele origin: unknown. Affected: yes.

GeneDx
Classification: Uncertain significance. Last evaluated: 2019-04-02. Review status: criteria provided, single submitter. Criteria: GeneDx Variant Classification Process June 2021. Collection method: clinical testing. Allele origin: germline. Affected: yes.
Comment: Has not been previously published as pathogenic or benign to our knowledge; Not observed at a significant frequency in large population cohorts (Lek et al., 2016); In silico analysis, which includes protein predictors and evolutionary conservation, supports a deleterious effect

Fulgent Genetics
Classification: Uncertain significance for Progressive external ophthalmoplegia with mitochondrial DNA deletions, autosomal dominant 1; Progressive sclerosing poliodystrophy; Progressive external ophthalmoplegia with mitochondrial DNA deletions, autosomal recessive 1; Mitochondrial DNA depletion syndrome 1; Sensory ataxic neuropathy, dysarthria, and ophthalmoparesis; Mitochondrial DNA depletion syndrome 4b. Last evaluated: 2018-10-31. Review status: criteria provided, single submitter. Criteria: ACMG Guidelines, 2015. Collection method: clinical testing. Allele origin: unknown.

Illumina Laboratory Services, Illumina
Classification: Uncertain significance for POLG-Related Spectrum Disorders. Last evaluated: 2018-04-10. Review status: criteria provided, single submitter. Criteria: ICSL Variant Classification Criteria 13 December 2019. Collection method: clinical testing. Allele origin: germline.